The following is an entry in ClinVar:

NM_002887.4(RARS1):c.1873+30_1873+33dup

Gene: RARS1 (arginyl-tRNA synthetase 1; plus strand). Cytogenetic location: 5q34.
Variant type: Duplication.
Coding change: c.1873+30_1873+33dup on transcript NM_002887.4 (MANE Select); bases 30 to 33 of the intron after coding-DNA position 1873, 4 bases duplicated (TTTT; older notation c.1873+30_1873+33dupTTTT).
Molecular consequence: intron variant.
Genome position (GRCh38, 1-based): chr5:168,518,092-168,518,095, TTTT duplicated; duplicating any 4 consecutive bases within chr5:168,518,072-168,518,095 gives the same sequence; the c. name uses the placement nearest the transcript's 3' end. VCF-style (leftmost placement, unchanged base first): chr5-168518071-C-CTTTT. GRCh37 (hg19) VCF-style: chr5-167945076-C-CTTTT.
Other names: p.?.
Identifiers: ClinVar variation 2004092 (VCV002004092.5), dbSNP rs747777615, ClinGen allele CA807266779.

ClinVar aggregate classification (germline): Benign/Likely benign. Review status: criteria provided, multiple submitters, no conflicts (2 of 4 stars). 2 submissions from 2 submitters: Benign (1); Likely benign (1). Last evaluated 2026-01-19.

Submissions (2):

Labcorp Genetics (formerly Invitae), Labcorp
Classification: Benign. Last evaluated: 2026-01-19. Review status: criteria provided, single submitter. Criteria: Invitae Variant Classification Sherloc (09022015). Collection method: clinical testing. Allele origin: germline.

Mayo Clinic Laboratories, Mayo Clinic
Classification: Likely benign. Last evaluated: 2025-09-15. Review status: criteria provided, single submitter. Criteria: ACMG Guidelines, 2015. Collection method: clinical testing. Allele origin: germline. Observed: 4 variant alleles.
Comment: BP4, BP7